The following is an entry in ClinVar:

ClinVar aggregate classification (germline): Likely pathogenic (0 of 4 stars; one submission).

Conditions:
Pyruvate dehydrogenase E1-alpha deficiency (PDHAD). Also called: ATAXIA, INTERMITTENT, WITH PYRUVATE DEHYDROGENASE DEFICIENCY; ATAXIA WITH LACTIC ACIDOSIS I; ATAXIA, INTERMITTENT, WITH ABNORMAL PYRUVATE METABOLISM; Ataxia, intermittent, with pyruvate dehydrogenase, or decarboxylase, deficiency. Identifiers: Orphanet 79243, MedGen C1839413, MONDO:0010717, OMIM 312170.

Submission:

PDHA1 Study Group, University Children’s Hospital, Paracelsus Medical University
Classification: Likely pathogenic for Pyruvate dehydrogenase E1-alpha deficiency. Last evaluated: 2024-10-15. Review status: no assertion criteria provided. Collection method: research. Allele origin: germline. Affected: yes. Observed: 1 variant allele.
Comment: The NM_000284.3:c.1100A>G (p.His367Arg) substitution is a missense variant in PDHA1 gene. Last literature search: July 12, 2024. This variant is absent or extremely rare in population-based cohorts in the Genome Aggregation Database (gnomAD). Individuals harboring this variant presented with clinical features compatible with PDHA1-related PDHc deficiency. In summary, this variant meets criteria to be classified as likely pathogenic (LP) for PDHA1-related PDHc deficiency based on the ACMG/AMP criteria applied: PM1, PM2, PM7 (last assessment October 15, 2024).

Literature cited by the submitters: DOI 10.1093/brain/awaf430.

NM_000284.4(PDHA1):c.1100A>G (p.His367Arg)

Gene: PDHA1 (pyruvate dehydrogenase E1 subunit alpha 1; plus strand). Cytogenetic location: Xp22.12.
Variant type: single nucleotide variant.
Coding change: c.1100A>G on transcript NM_000284.4 (MANE Select); coding-DNA position 1100, A replaced by G.
Protein change: p.His367Arg; replaces histidine 367 with arginine.
Molecular consequence: missense variant.
Genome position (GRCh38, 1-based): chrX:19,359,580, A>G. VCF-style: chrX-19359580-A-G. GRCh37 (hg19) VCF-style: chrX-19377698-A-G.
Other names: c.1214A>G, p.His405Arg (NM_001173454.2); c.1121A>G, p.His374Arg (NM_001173455.2); c.1007A>G, p.His336Arg (NM_001173456.2); short protein forms H336R, H367R, H374R, H405R.
Identifiers: ClinVar variation 4070454 (VCV004070454.1).